The following is an entry in ClinVar:

GRCh37/hg19 10p11.23-11.22(chr10:30624523-33688350)x1

Genes: ARHGAP12 (Rho GTPase activating protein 12; minus strand), CCDC7 (coiled-coil domain containing 7; plus strand), EPC1 (enhancer of polycomb homolog 1; minus strand), ITGB1 (integrin subunit beta 1; minus strand), KIF5B (kinesin family member 5B; minus strand) and 6 more. Cytogenetic location: 10p11.23-11.22.
Variant type: copy number loss.
Change: copy number 1 (one copy instead of two) of chr10:30,624,523-33,688,350 (3.06 Mb, GRCh37 coordinates, 1-based), cytogenetic band 10p11.23-11.22.
Identifiers: ClinVar variation 1328108 (VCV001328108.4).

ClinVar aggregate classification (germline): Pathogenic (1 of 4 stars; one submission).

Submission:

Illumina Laboratory Services, Illumina
Classification: Pathogenic. Last evaluated: 2021-11-02. Review status: criteria provided, single submitter. Criteria: ICSL CNVClassificationCriteria Aug2020. Collection method: clinical testing. Allele origin: unknown.
Comment: This CNV is a 3.1 Mb deletion of 10p11.23-p11.22, on chromosome 10, (seq[GRCh37]del(10)(p11.23-p11.22); chr10:30624523_33688350del), found in a de novo state. This CNV constitutes a loss encompassing 11 protein-coding genes. Chaudhry et al. (2017) reported on a patient with a de novo 2.05 Mb loss that is fully encompassed within this CNV in a proband who had agenesis of the corpus callosum, developmental delay, facial dysmorphism, autism spectrum disorder, and posterior polymorphous corneal dystrophy. There are two individuals in the DECIPHER database with similar de novo deletions in this region (Firth et al. 2009). The features reported in these individuals varies and includes developmental delay, intellectual disability, hypotonia, hypertelorism, strabismus, blepharophimosis, 5th finger clinodactyly, patent ductus arteriosus, and short stature. Based on the collective evidence, this CNV is classified as pathogenic.

Literature cited by the submitters: PubMed 19344873; PubMed 28742278.